The following is an entry in ClinVar:

ClinVar aggregate classification (germline): Benign (1 of 4 stars; one submission).

Conditions:
Lynch syndrome 5 (LYNCH5). Also called: Colorectal cancer, hereditary nonpolyposis, type 5; Hereditary non-polyposis colorectal cancer, type 5. Identifiers: Orphanet 144, MedGen C1833477, MONDO:0013710, OMIM 614350. Disease mechanism: loss of function.

Submission:

Myriad Genetics, Inc.
Classification: Benign for Lynch syndrome 5. Last evaluated: 2024-12-18. Review status: criteria provided, single submitter. Criteria: Myriad Autosomal Dominant, Autosomal Recessive and X-Linked Classification Criteria (2023). Collection method: clinical testing. Allele origin: unknown.
Comment: This variant is considered benign. This variant is a silent/synonymous amino acid change and it is not expected to impact splicing.

NM_000179.3(MSH6):c.279A>T (p.Gly93=)

Gene: MSH6 (mutS homolog 6; plus strand). Cytogenetic location: 2p16.3.
Variant type: single nucleotide variant.
Coding change: c.279A>T on transcript NM_000179.3 (MANE Select); coding-DNA position 279, A replaced by T.
Protein change: p.Gly93=; no amino-acid change (glycine 93 retained).
Molecular consequence: synonymous variant. On other transcripts: 5 prime UTR variant (21), non-coding transcript variant (5), intron variant (5).
Genome position (GRCh38, 1-based): chr2:47,790,945, A>T. VCF-style: chr2-47790945-A-T. GRCh37 (hg19) VCF-style: chr2-48018084-A-T.
Other names: c.-458A>T (NM_001281493.2, NM_001406811.1, NM_001406823.1 and 1 more transcripts); c.-624A>T (NM_001281494.2); c.375A>T, p.Gly125= (NM_001406795.1, NM_001406802.1); c.279A>T, p.Gly93= (NM_001406796.1, NM_001406798.1, NM_001406800.1 and 6 more transcripts); c.-19A>T (NM_001406797.1, NM_001406801.1, NM_001406805.1 and 10 more transcripts); c.201A>T, p.Gly67= (NM_001406804.1); c.-650A>T (NM_001406807.1); c.-305A>T (NM_001406812.1); and 6 more.
Identifiers: ClinVar variation 3904188 (VCV003904188.1).